The following is an entry in ClinVar:

ClinVar aggregate classification (germline): Uncertain significance (1 of 4 stars; one submission).

Conditions:
Werner syndrome (WRN). Identifiers: Orphanet 902, MedGen C0043119, MONDO:0010196, OMIM 277700.

Submission:

Labcorp Genetics (formerly Invitae), Labcorp
Classification: Uncertain significance for Werner syndrome. Last evaluated: 2022-11-15. Review status: criteria provided, single submitter. Criteria: Invitae Variant Classification Sherloc (09022015). Collection method: clinical testing. Allele origin: germline.
Comment: In summary, the available evidence is currently insufficient to determine the role of this variant in disease. Therefore, it has been classified as a Variant of Uncertain Significance. Algorithms developed to predict the effect of missense changes on protein structure and function output the following: SIFT: "Not Available"; PolyPhen-2: "Possibly Damaging"; Align-GVGD: "Not Available". The asparagine amino acid residue is found in multiple mammalian species, which suggests that this missense change does not adversely affect protein function. This variant has not been reported in the literature in individuals affected with WRN-related conditions. This variant is not present in population databases (gnomAD no frequency). This sequence change replaces aspartic acid, which is acidic and polar, with asparagine, which is neutral and polar, at codon 749 of the WRN protein (p.Asp749Asn).

NM_000553.6(WRN):c.2245G>A (p.Asp749Asn)

Gene: WRN (WRN RecQ like helicase; plus strand). Cytogenetic location: 8p12.
Variant type: single nucleotide variant.
Coding change: c.2245G>A on transcript NM_000553.6 (MANE Select); coding-DNA position 2245, G replaced by A.
Protein change: p.Asp749Asn; replaces aspartic acid 749 with asparagine.
Molecular consequence: missense variant.
Genome position (GRCh38, 1-based): chr8:31,111,771, G>A. VCF-style: chr8-31111771-G-A. GRCh37 (hg19) VCF-style: chr8-30969287-G-A.
Other names: short protein forms D749N.
Identifiers: ClinVar variation 2814539 (VCV002814539.3), dbSNP rs1585472057, ClinGen allele CA370912879.